The following is an entry in ClinVar:

NM_130837.3(OPA1):c.2144G>A (p.Trp715Ter)

Gene: OPA1 (OPA1 mitochondrial dynamin like GTPase; plus strand). Cytogenetic location: 3q29.
Variant type: single nucleotide variant.
Coding change: c.2144G>A on transcript NM_130837.3 (MANE Select); coding-DNA position 2144, G replaced by A.
Protein change: p.Trp715Ter; replaces tryptophan 715 with a stop codon.
Molecular consequence: nonsense.
Genome position (GRCh38, 1-based): chr3:193,654,993, G>A. VCF-style: chr3-193654993-G-A. GRCh37 (hg19) VCF-style: chr3-193372782-G-A.
Other names: c.1610G>A, p.Trp537Ter (NM_001354663.2); c.1607G>A, p.Trp536Ter (NM_001354664.2); c.1979G>A, p.Trp660Ter (NM_015560.3); c.1871G>A, p.Trp624Ter (NM_130831.3); c.1925G>A, p.Trp642Ter (NM_130832.3); c.1982G>A, p.Trp661Ter (NM_130833.3); c.2033G>A, p.Trp678Ter (NM_130834.3); c.2036G>A, p.Trp679Ter (NM_130835.3); and 1 more; short protein forms W536*, W537*, W624*, W642*, W660*, W661*, W678*, W679*.
Identifiers: ClinVar variation 4538841 (VCV004538841.1).

ClinVar aggregate classification (germline): Pathogenic (1 of 4 stars; one submission).

Submission:

GeneDx
Classification: Pathogenic. Last evaluated: 2025-06-16. Review status: criteria provided, single submitter. Criteria: GeneDx Variant Classification Process June 2021. Collection method: clinical testing. Allele origin: germline. Affected: yes.
Comment: Nonsense variant predicted to result in protein truncation or nonsense mediated decay in a gene for which loss of function is a known mechanism of disease; Not observed at significant frequency in large population cohorts (gnomAD); This variant is associated with the following publications: (PMID: 24024178)